The following is an entry in ClinVar:

ClinVar aggregate classification (germline): Uncertain significance (1 of 4 stars; one submission).

Conditions:
Glycogen storage disease type III (GSD3). Also called: Cori disease; FORBES DISEASE. Identifiers: Orphanet 366, MedGen C0017922, MONDO:0009291, OMIM 232400.

gnomAD v4.1: 1 of 1,614,174 alleles (0.000062%); no homozygotes.

Submission:

Labcorp Genetics (formerly Invitae), Labcorp
Classification: Uncertain significance for Glycogen storage disease type III. Last evaluated: 2022-08-18. Review status: criteria provided, single submitter. Criteria: Invitae Variant Classification Sherloc (09022015). Collection method: clinical testing. Allele origin: germline.
Comment: This sequence change replaces serine, which is neutral and polar, with glycine, which is neutral and non-polar, at codon 706 of the AGL protein (p.Ser706Gly). This variant is present in population databases (no rsID available, gnomAD no frequency). This variant has not been reported in the literature in individuals affected with AGL-related conditions. Algorithms developed to predict the effect of missense changes on protein structure and function are either unavailable or do not agree on the potential impact of this missense change (SIFT: "Deleterious"; PolyPhen-2: "Benign"; Align-GVGD: "Class C0"). In summary, the available evidence is currently insufficient to determine the role of this variant in disease. Therefore, it has been classified as a Variant of Uncertain Significance.

NM_000642.3(AGL):c.2116A>G (p.Ser706Gly)

Gene: AGL (amylo-alpha-1,6-glucosidase and 4-alpha-glucanotransferase; plus strand). Cytogenetic location: 1p21.2.
Variant type: single nucleotide variant.
Coding change: c.2116A>G on transcript NM_000642.3 (MANE Select); coding-DNA position 2116, A replaced by G.
Protein change: p.Ser706Gly; replaces serine 706 with glycine.
Molecular consequence: missense variant.
Genome position (GRCh38, 1-based): chr1:99,881,406, A>G. VCF-style: chr1-99881406-A-G. GRCh37 (hg19) VCF-style: chr1-100346962-A-G.
Other names: c.2116A>G, p.Ser706Gly (NM_000028.3, NM_000643.3, NM_000644.3 and 2 more transcripts); c.2068A>G, p.Ser690Gly (NM_000646.3); c.1915A>G, p.Ser639Gly (NM_001425327.1); c.1912A>G, p.Ser638Gly (NM_001425328.1, NM_001425329.1); c.1738A>G, p.Ser580Gly (NM_001425332.1); short protein forms S690G, S706G, S580G, S638G, S639G.
Identifiers: ClinVar variation 2150197 (VCV002150197.1), dbSNP rs1179918352, ClinGen allele CA341319234.